The following is an entry in ClinVar:

ClinVar aggregate classification (germline): Uncertain significance (1 of 4 stars; one submission).

Allele frequency attached by ClinVar (database versions not stated): TOPMed 0.00002; gnomAD 0.00004; ESP Exome Variant Server 0.00008; ExAC 0.00018.
gnomAD v4.1: 156 of 1,613,942 alleles (0.0097%); highest among the groups gnomAD compares: South Asian, 0.092%; 2 homozygotes.

Submission:

Labcorp Genetics (formerly Invitae), Labcorp
Classification: Uncertain significance. Last evaluated: 2024-09-20. Review status: criteria provided, single submitter. Criteria: Invitae Variant Classification Sherloc (09022015). Collection method: clinical testing. Allele origin: germline.
Comment: This sequence change replaces proline, which is neutral and non-polar, with leucine, which is neutral and non-polar, at codon 426 of the ERCC2 protein (p.Pro426Leu). This variant is present in population databases (rs377739888, gnomAD 0.08%). This variant has not been reported in the literature in individuals affected with ERCC2-related conditions. ClinVar contains an entry for this variant (Variation ID: 2167859). Invitae Evidence Modeling of protein sequence and biophysical properties (such as structural, functional, and spatial information, amino acid conservation, physicochemical variation, residue mobility, and thermodynamic stability) has been performed for this missense variant. However, the output from this modeling did not meet the statistical confidence thresholds required to predict the impact of this variant on ERCC2 protein function. In summary, the available evidence is currently insufficient to determine the role of this variant in disease. Therefore, it has been classified as a Variant of Uncertain Significance.

NM_000400.4(ERCC2):c.1277C>T (p.Pro426Leu)

Gene: ERCC2 (ERCC excision repair 2, TFIIH core complex helicase subunit; minus strand). Cytogenetic location: 19q13.32.
Variant type: single nucleotide variant.
Coding change: c.1277C>T on transcript NM_000400.4 (MANE Select); coding-DNA position 1277, C replaced by T.
Protein change: p.Pro426Leu; replaces proline 426 with leucine.
Molecular consequence: missense variant.
Genome position (GRCh38, 1-based): chr19:45,357,660, G>A on the plus strand (C>T on the coding strand, the complement: ERCC2 is on the minus strand). VCF-style: chr19-45357660-G-A. GRCh37 (hg19) VCF-style: chr19-45860918-G-A.
Other names: short protein forms P426L.
Identifiers: ClinVar variation 2167859 (VCV002167859.2), dbSNP rs377739888, ClinGen allele CA9513387.